The following is an entry in ClinVar:

NC_000016.9:g.(?_3631181)_3659191del

Gene: SLX4 (SLX4 structure-specific endonuclease subunit; minus strand). Cytogenetic location: 16p13.3.
Variant type: Deletion.
Identifiers: ClinVar variation 4525895 (VCV004525895.1).

ClinVar aggregate classification (germline): Pathogenic (1 of 4 stars; one submission).

Conditions:
Fanconi anemia (FA). Also called: Fanconi's anemia. Identifiers: Orphanet 84, MedGen C0015625, MeSH D005199, MONDO:0019391.

Submission:

Women's Health and Genetics/Laboratory Corporation of America, LabCorp
Classification: Pathogenic for Fanconi anemia. Last evaluated: 2025-07-15. Review status: criteria provided, single submitter. Criteria: LabCorp Variant Classification Summary - May 2015. Collection method: clinical testing. Allele origin: germline.
Comment: Variant summary: The variant involves the deletion of exons 2-15 in the SLX4 gene. A presumed nomenclature of c.-226_(*1162_?)del has been designated for the purposes of this classification. This deletion includes the entire coding sequence of the gene. As the exact proximal and distal breakpoints are unknown, it may extend beyond the annotated region of the gene to include other flanking genes. The variant was absent in 21682 control chromosomes. c.-226_(*1162_?)del has been observed in at least one individual affected with head and neck carcinoma (e.g. Chandrasekharappa_2017). The following publication have been ascertained in the context of this evaluation (PMID: 28678401). ClinVar contains an entry for this variant (Variation ID: 1459393). Based on the evidence outlined above, the variant was classified as pathogenic.

Literature cited by the submitters: PubMed 28678401.